The following is an entry in ClinVar:

ClinVar aggregate classification (germline): Uncertain significance. Review status: criteria provided, multiple submitters, no conflicts (2 of 4 stars). 3 submissions from 3 submitters: Uncertain significance (3). Last evaluated 2025-11-22.

Allele frequency attached by ClinVar (database versions not stated): gnomAD exomes 0.00004 and 0.00008; ESP Exome Variant Server 0.00008; gnomAD 0.00013 and 0.00014; ExAC 0.00008; TOPMed 0.00012.
gnomAD v4.1: 75 of 1,614,046 alleles (0.0046%); highest among the groups gnomAD compares: African/African-American, 0.032%; no homozygotes.

Submissions (3):

Dasa
Classification: Uncertain significance. Last evaluated: 2025-11-22. Review status: criteria provided, single submitter. Criteria: DASA Assertion Criteria. Collection method: clinical testing. Allele origin: germline.
Comment: NM_018943.3(TUBA8):c.1205G>A (p.Arg402Gln) is a missense variant that results in the substitution of arginine with glutamine. This variant is rare in population databases. Computational prediction algorithms are consistent with a deleterious effect. The currently available literature and clinical evidence are not sufficient to establish a definitive association between this variant and the reported condition. Therefore, this variant is classified as a variant of uncertain significance.

Ambry Genetics
Classification: Uncertain significance. Last evaluated: 2025-05-06. Review status: criteria provided, single submitter. Criteria: Ambry Variant Classification Scheme 2023. Collection method: clinical testing. Allele origin: germline.

Labcorp Genetics (formerly Invitae), Labcorp
Classification: Uncertain significance. Last evaluated: 2024-08-12. Review status: criteria provided, single submitter. Criteria: Invitae Variant Classification Sherloc (09022015). Collection method: clinical testing. Allele origin: germline.
Comment: This sequence change replaces arginine, which is basic and polar, with glutamine, which is neutral and polar, at codon 402 of the TUBA8 protein (p.Arg402Gln). This variant is present in population databases (rs145639548, gnomAD 0.04%). This variant has not been reported in the literature in individuals affected with TUBA8-related conditions. ClinVar contains an entry for this variant (Variation ID: 1374321). Advanced modeling of protein sequence and biophysical properties (such as structural, functional, and spatial information, amino acid conservation, physicochemical variation, residue mobility, and thermodynamic stability) performed at Invitae indicates that this missense variant is expected to disrupt TUBA8 protein function with a positive predictive value of 80%. In summary, the available evidence is currently insufficient to determine the role of this variant in disease. Therefore, it has been classified as a Variant of Uncertain Significance.

NM_018943.3(TUBA8):c.1205G>A (p.Arg402Gln)

Gene: TUBA8 (tubulin alpha 8; plus strand). Cytogenetic location: 22q11.21.
Variant type: single nucleotide variant.
Coding change: c.1205G>A on transcript NM_018943.3 (MANE Select); coding-DNA position 1205, G replaced by A.
Protein change: p.Arg402Gln; replaces arginine 402 with glutamine.
Molecular consequence: missense variant.
Genome position (GRCh38, 1-based): chr22:18,130,991, G>A. VCF-style: chr22-18130991-G-A. GRCh37 (hg19) VCF-style: chr22-18613758-G-A.
Other names: c.1007G>A, p.Arg336Gln (NM_001193414.2); c.1205G>A (NM_018943.2); short protein forms R402Q, R336Q.
Identifiers: ClinVar variation 1374321 (VCV001374321.10), dbSNP rs145639548, ClinGen allele CA10093870.